The following is an entry in ClinVar:

NC_000005.10:g.112707465C>G

Gene: APC (APC regulator of Wnt signaling pathway; plus strand). Cytogenetic location: 5q22.2.
Variant type: single nucleotide variant.
Genome position: GRCh38 VCF-style: chr5-112707465-C-G. GRCh37 (hg19) VCF-style: chr5-112043162-C-G.
Identifiers: ClinVar variation 2036088 (VCV002036088.5), dbSNP rs1424887097, ClinGen allele CA1573442331.

ClinVar aggregate classification (germline): Uncertain significance (1 of 4 stars; one submission).

Conditions:
Familial adenomatous polyposis 1 (FAP1). Also called: POLYPOSIS, ADENOMATOUS INTESTINAL; FAMILIAL ADENOMATOUS POLYPOSIS 1, ATTENUATED. Identifiers: MedGen C2713442, MONDO:0021056, OMIM 175100. Disease mechanism: loss of function.

Submission:

Labcorp Genetics (formerly Invitae), Labcorp
Classification: Uncertain significance for Familial adenomatous polyposis 1. Last evaluated: 2022-10-19. Review status: criteria provided, single submitter. Criteria: Invitae Variant Classification Sherloc (09022015). Collection method: clinical testing. Allele origin: germline.
Comment: This variant is not present in population databases (gnomAD no frequency). This variant occurs in a non-coding region of the APC gene. It does not change the encoded amino acid sequence of the APC protein. This variant has not been reported in the literature in individuals affected with APC-related conditions. In summary, the available evidence is currently insufficient to determine the role of this variant in disease. Therefore, it has been classified as a Variant of Uncertain Significance. Experimental studies and prediction algorithms are not available or were not evaluated, and the functional significance of this variant is currently unknown.